The following is an entry in ClinVar:

ClinVar aggregate classification (germline): Uncertain significance (1 of 4 stars; one submission).

Submission:

GeneDx
Classification: Uncertain significance. Last evaluated: 2023-07-17. Review status: criteria provided, single submitter. Criteria: GeneDx Variant Classification Process June 2021. Collection method: clinical testing. Allele origin: germline. Affected: yes.
Comment: Not observed at significant frequency in large population cohorts (gnomAD); Frameshift variant predicted to result in protein truncation or nonsense mediated decay in a gene or region of a gene for which loss of function is not a well-established mechanism of disease; Has not been previously published as pathogenic or benign to our knowledge

NM_012309.5(SHANK2):c.4730del (p.Ile1577fs)

Gene: SHANK2 (SH3 and multiple ankyrin repeat domains 2; minus strand). Cytogenetic location: 11q13.3.
Variant type: Deletion.
Coding change: c.4730del on transcript NM_012309.5 (MANE Select); coding-DNA position 4730, one base deleted (T; older notation c.4730delT).
Protein change: p.Ile1577fs; shifts the reading frame from isoleucine 1577.
Molecular consequence: frameshift variant.
Genome position (GRCh38, 1-based): chr11:70,485,563, A deleted on the plus strand (T on the coding strand, the reverse complement: SHANK2 is on the minus strand). VCF-style (leftmost placement, unchanged base first): chr11-70485562-GA-G. GRCh37 (hg19) VCF-style: chr11-70331667-GA-G.
Other names: c.3593del, p.Ile1198fs (NM_001379226.1); c.2966del, p.Ile989fs (NM_133266.5); short protein forms I1198fs, I1577fs, I989fs.
Identifiers: ClinVar variation 3361092 (VCV003361092.1).
Genomic context (GRCh38, chr11:70,485,562, plus strand): 5'-GAGAACCTTGGCCATCCCAGGCTGGGCACTGCCCGGCGGGGGCGGGGGAGCGGGCGGGGG[GA>G]TAACAAAGCTATCTACATCTTCTTCCACGAGCGCGTCTTGATAAAGTGCATTGCTTTTGT-3'